The following is an entry in ClinVar:

ClinVar aggregate classification (germline): Conflicting classifications of pathogenicity. Review status: criteria provided, conflicting classifications (1 of 4 stars). 8 submissions from 8 submitters: Uncertain significance (6); Likely benign (2). Last evaluated 2025-10-20.

Conditions:
Cardiovascular phenotype. Identifiers: MedGen CN230736.
Arrhythmogenic right ventricular dysplasia 10. Also called: Arrhythmogenic Right Ventricular Dysplasia/Cardiomyopathy10; ARRHYTHMOGENIC RIGHT VENTRICULAR DYSPLASIA, FAMILIAL, 10; Arrhythmogenic right ventricular dysplasia/cardiomyopathy, type 10. Identifiers: MedGen C1857777, MONDO:0012434, OMIM 610193.
Dilated cardiomyopathy 1BB (CMD1BB). Also called: CARDIOMYOPATHY, DILATED, 1BB, SUSCEPTIBILITY TO. Identifiers: Orphanet 154, MedGen C2752072, MONDO:0013030, OMIM 612877.
Cardiomyopathy (CMYO). Also called: Cardiomyopathies. Identifiers: Orphanet 167848, MedGen C0878544, MONDO:0004994, HP:0001638. Inheritance: Various modes of inheritance.
Arrhythmogenic right ventricular cardiomyopathy (ARVD). Also called: Arrhythmogenic cardiomyopathy; Cardiomyopathy, ARVC; Arrhythmogenic right ventricular dysplasia; Arrhythmogenic Right Ventricular Cardiomyopathy (ARVC). Identifiers: Orphanet 247, MedGen C0349788, MeSH D019571, MONDO:0016587. Disease mechanism: loss of function. Inheritance: Various modes of inheritance.

Allele frequency attached by ClinVar (database versions not stated): gnomAD exomes 0.00001 and 0.00005; TOPMed 0.00001; gnomAD 0.00002 and 0.00001; ExAC 0.00005; 1000 Genomes Project 30x 0.00016; 1000 Genomes Project 0.00020.
gnomAD v4.1: 25 of 1,588,732 alleles (0.0016%); highest among the groups gnomAD compares: Admixed American, 0.023%; no homozygotes.

Submissions (8):

Mayo Clinic Laboratories, Mayo Clinic
Classification: Uncertain significance. Last evaluated: 2025-10-20. Review status: criteria provided, single submitter. Criteria: ACMG Guidelines, 2015. Collection method: clinical testing. Allele origin: germline. Observed: 1 variant allele.
Comment: BP4_moderate

Color Diagnostics, LLC DBA Color Health
Classification: Likely benign for Cardiomyopathy. Last evaluated: 2025-04-21. Review status: criteria provided, single submitter. Criteria: ACMG Guidelines, 2015. Collection method: clinical testing. Allele origin: germline.

Labcorp Genetics (formerly Invitae), Labcorp
Classification: Uncertain significance for Arrhythmogenic right ventricular dysplasia 10. Last evaluated: 2024-11-13. Review status: criteria provided, single submitter. Criteria: Invitae Variant Classification Sherloc (09022015). Collection method: clinical testing. Allele origin: germline.
Comment: This sequence change replaces leucine, which is neutral and non-polar, with serine, which is neutral and polar, at codon 431 of the DSG2 protein (p.Leu431Ser). This variant is present in population databases (rs540113579, gnomAD 0.02%). This variant has not been reported in the literature in individuals affected with DSG2-related conditions. ClinVar contains an entry for this variant (Variation ID: 628808). Invitae Evidence Modeling of protein sequence and biophysical properties (such as structural, functional, and spatial information, amino acid conservation, physicochemical variation, residue mobility, and thermodynamic stability) indicates that this missense variant is not expected to disrupt DSG2 protein function with a negative predictive value of 95%. In summary, the available evidence is currently insufficient to determine the role of this variant in disease. Therefore, it has been classified as a Variant of Uncertain Significance.

All of Us Research Program, National Institutes of Health
Classification: Uncertain significance for Arrhythmogenic right ventricular cardiomyopathy. Last evaluated: 2024-09-23. Review status: criteria provided, single submitter. Criteria: ACMG Guidelines, 2015. Collection method: clinical testing. Allele origin: germline. Inheritance: Autosomal dominant inheritance. Observed: 6 variant alleles, 6 heterozygotes.
Comment: Variant of Uncertain Significance due to insufficient evidence: This missense variant is located in the extracellular cadherin domain 4 of the DSG2 protein. Computational prediction tools and conservation analyses suggest that this variant may not impact the protein function. Computational splicing tools suggest that this variant may not impact the RNA splicing. To our knowledge, functional assays have not been performed for this variant nor has this variant been reported in individuals affected with cardiovascular disorders in the literature. This variant has also been identified in 11/266962 chromosomes in the general population by the Genome Aggregation Database (gnomAD). Available evidence is insufficient to determine the pathogenicity of this variant conclusively.

This study involves interpretation of variants in research participants for the purpose of population health screening. Participant phenotype was not available at the time of variant classification. Additional details can be found in publication PMID: 35346344, PMCID: PMC8962531

GeneDx
Classification: Uncertain significance. Last evaluated: 2024-04-29. Review status: criteria provided, single submitter. Criteria: GeneDx Variant Classification Process June 2021. Collection method: clinical testing. Allele origin: germline. Affected: yes.
Comment: Has not been previously published as pathogenic or benign to our knowledge; In silico analysis indicates that this missense variant does not alter protein structure/function

Ambry Genetics
Classification: Likely benign for Cardiovascular phenotype. Last evaluated: 2022-04-27. Review status: criteria provided, single submitter. Criteria: Ambry Variant Classification Scheme 2023. Collection method: clinical testing. Allele origin: germline.

Fulgent Genetics
Classification: Uncertain significance for Arrhythmogenic right ventricular dysplasia 10; Dilated cardiomyopathy 1BB. Last evaluated: 2021-10-14. Review status: criteria provided, single submitter. Criteria: ACMG Guidelines, 2015. Collection method: clinical testing. Allele origin: unknown.

Illumina Laboratory Services, Illumina
Classification: Uncertain significance for Arrhythmogenic right ventricular dysplasia 10. Last evaluated: 2018-01-12. Review status: criteria provided, single submitter. Criteria: ICSL Variant Classification Criteria 13 December 2019. Collection method: clinical testing. Allele origin: germline.

NM_001943.5(DSG2):c.1292T>C (p.Leu431Ser)

Gene: DSG2 (desmoglein 2; plus strand). Cytogenetic location: 18q12.1.
Variant type: single nucleotide variant.
Coding change: c.1292T>C on transcript NM_001943.5 (MANE Select); coding-DNA position 1292, T replaced by C.
Protein change: p.Leu431Ser; replaces leucine 431 with serine.
Molecular consequence: missense variant.
Genome position (GRCh38, 1-based): chr18:31,535,281, T>C. VCF-style: chr18-31535281-T-C. GRCh37 (hg19) VCF-style: chr18-29115244-T-C.
Other names: p.Leu431Ser; c.1292T>C (LRG_397t1); short protein forms L431S.
Identifiers: ClinVar variation 628808 (VCV000628808.22), dbSNP rs540113579, ClinGen allele CA042011.
Genomic context (GRCh38, chr18:31,535,281, plus strand): 5'-TCCAATTCATGCAGAATTCAAAATTAATTTTATGTTTGTTTTATGACAGATATGTAAAAT[T>C]AGAAGATAGAGATAATTGGATCTCTGTGGATTCTGTCACATCTGAAATTAAACTTGCAAA-3'
Protein context (NP_001934.2, residues 421-441): GLPAHARYVK[Leu431Ser]EDRDNWISVD